The following is an entry in ClinVar:

ClinVar aggregate classification (germline): Uncertain significance. Review status: criteria provided, multiple submitters, no conflicts (2 of 4 stars). 4 submissions from 4 submitters: Uncertain significance (4). Last evaluated 2025-09-29.

Conditions:
Multiple endocrine neoplasia, type 2 (MEN2). Identifiers: Orphanet 653, MedGen C4048306, MONDO:0019003. Disease mechanism: gain of function.
Multiple endocrine neoplasia type 2B. Also called: Multiple endocrine neoplasia, type 3; MEN 2B; MULTIPLE ENDOCRINE NEOPLASIA, TYPE IIB; MUCOSAL NEUROMA SYNDROME; Multiple Endocrine Neoplasia Type 2B (MEN2B); MEN IIB. Identifiers: Orphanet 247709, Orphanet 653, MedGen C0025269, MeSH D018814, MONDO:0008082, OMIM 162300.
Hirschsprung disease, susceptibility to, 1 (HSCR1). Also called: RET-Related Hirschsprung Disease. Identifiers: Orphanet 388, MedGen C3888239, MONDO:0007723, OMIM 142623.
Pheochromocytoma. Also called: MAX-Related Hereditary Paraganglioma-Pheochromocytoma Syndrome. Identifiers: Orphanet 29072, MedGen C0031511, MONDO:0008233, OMIM 171300, HP:0002666.
Multiple endocrine neoplasia type 2A. Also called: MULTIPLE ENDOCRINE NEOPLASIA, TYPE IIA; PTC SYNDROME; SIPPLE SYNDROME; MEN 2A; MEN-2A syndrome; Pheochromocytoma and amyloid producing medullary thyroid carcinoma. Identifiers: Orphanet 247698, Orphanet 653, MedGen C0025268, MeSH D018813, MONDO:0008234, OMIM 171400.
Familial medullary thyroid carcinoma (MTC). Also called: Thyroid cancer, familial medullary; MTC, familial; Familial Medullary Thyroid Carcinoma (FMTC). Identifiers: Orphanet 653, Orphanet 99361, MedGen C1833921, MONDO:0007958, OMIM 155240.
Hereditary cancer-predisposing syndrome. Also called: Hereditary Cancer Syndrome; Hereditary neoplastic syndrome; Tumor predisposition; Neoplastic Syndromes, Hereditary. Identifiers: Orphanet 140162, MedGen C0027672, MeSH D009386, MONDO:0015356.

Allele frequency attached by ClinVar (database versions not stated): TOPMed 0.00001.
gnomAD v4.1: 7 of 1,614,236 alleles (0.00043%); highest among the groups gnomAD compares: African/African-American, 0.004%; no homozygotes.

Submissions (4):

Labcorp Genetics (formerly Invitae), Labcorp
Classification: Uncertain significance for Multiple endocrine neoplasia, type 2. Last evaluated: 2025-09-29. Review status: criteria provided, single submitter. Criteria: Invitae Variant Classification Sherloc (09022015). Collection method: clinical testing. Allele origin: germline.
Comment: This sequence change replaces arginine, which is basic and polar, with cysteine, which is neutral and slightly polar, at codon 189 of the RET protein (p.Arg189Cys). This variant is not present in population databases (gnomAD no frequency). This variant has not been reported in the literature in individuals affected with RET-related conditions. ClinVar contains an entry for this variant (Variation ID: 1044947). An algorithm developed to predict the effect of missense changes on protein structure and function (PolyPhen-2) suggests that this variant is likely to be disruptive. In summary, the available evidence is currently insufficient to determine the role of this variant in disease. Therefore, it has been classified as a Variant of Uncertain Significance.

Women's Health and Genetics/Laboratory Corporation of America, LabCorp
Classification: Uncertain significance. Last evaluated: 2025-04-07. Review status: criteria provided, single submitter. Criteria: LabCorp Variant Classification Summary - May 2015. Collection method: clinical testing. Allele origin: germline.
Comment: Variant summary: RET c.565C>T (p.Arg189Cys) results in a non-conservative amino acid change in the encoded protein sequence. Four of five in-silico tools predict a damaging effect of the variant on protein function. The variant was absent in 251280 control chromosomes. The available data on variant occurrences in the general population are insufficient to allow any conclusion about variant significance. To our knowledge, no occurrence of c.565C>T in individuals affected with Hirschsprung Disease and no experimental evidence demonstrating its impact on protein function have been reported. ClinVar contains an entry for this variant (Variation ID: 1044947). Based on the evidence outlined above, the variant was classified as uncertain significance.

Ambry Genetics
Classification: Uncertain significance for Hereditary cancer-predisposing syndrome. Last evaluated: 2024-07-04. Review status: criteria provided, single submitter. Criteria: Ambry Variant Classification Scheme 2023. Collection method: clinical testing. Allele origin: germline.
Comment: The p.R189C variant (also known as c.565C>T), located in coding exon 3 of the RET gene, results from a C to T substitution at nucleotide position 565. The arginine at codon 189 is replaced by cysteine, an amino acid with highly dissimilar properties. This amino acid position is not well conserved in available vertebrate species. In addition, the in silico prediction for this alteration is inconclusive. Based on the available evidence, the clinical significance of this variant remains unclear.

Fulgent Genetics
Classification: Uncertain significance for Hirschsprung disease, susceptibility to, 1; Familial medullary thyroid carcinoma; Multiple endocrine neoplasia type 2B; Pheochromocytoma; Multiple endocrine neoplasia type 2A. Last evaluated: 2022-04-22. Review status: criteria provided, single submitter. Criteria: ACMG Guidelines, 2015. Collection method: clinical testing. Allele origin: unknown.

NM_020975.6(RET):c.565C>T (p.Arg189Cys)

Gene: RET (ret proto-oncogene; plus strand). Cytogenetic location: 10q11.21.
Variant type: single nucleotide variant.
Coding change: c.565C>T on transcript NM_020975.6 (MANE Select); coding-DNA position 565, C replaced by T.
Protein change: p.Arg189Cys; replaces arginine 189 with cysteine.
Molecular consequence: missense variant.
Genome position (GRCh38, 1-based): chr10:43,102,569, C>T. VCF-style: chr10-43102569-C-T. GRCh37 (hg19) VCF-style: chr10-43598017-C-T.
Other names: c.565C>T, p.Arg189Cys (NM_000323.2, NM_001406743.1, NM_001406744.1 and 16 more transcripts); c.436C>T, p.Arg146Cys (NM_001406761.1, NM_001406762.1, NM_001406764.1 and 4 more transcripts); short protein forms R189C, R146C.
Identifiers: ClinVar variation 1044947 (VCV001044947.16), dbSNP rs1210452561, ClinGen allele CA376543514.
Genomic context (GRCh38, chr10:43,102,569, plus strand): 5'-GAGACAAGGCCCTCCTTCCGCATTCGGGAGAACCGACCCCCAGGCACCTTCCACCAGTTC[C>T]GCCTGCTGCCTGTGCAGTTCTTGTGCCCCAACATCAGCGTGGCCTACAGGCTCCTGGAGG-3'
Protein context (NP_066124.1, residues 179-199): NRPPGTFHQF[Arg189Cys]LLPVQFLCPN